The following is an entry in ClinVar:

ClinVar aggregate classification (germline): Uncertain significance (0 of 4 stars; one submission).

Conditions:
Prostate cancer. Also called: Malignant tumor of prostate. Identifiers: Orphanet 1331, MedGen C0376358, MONDO:0008315, HP:0012125.

Submission:

Science for Life laboratory,  Karolinska Institutet
Classification: Uncertain significance for Malignant tumor of prostate. Review status: no assertion criteria provided. Collection method: not provided. Allele origin: somatic.
Comment: TumorID:SWE-4
ClinVar note: Converted during submission from Unknown to Uncertain significance.

NM_012301.4(MAGI2):c.1340A>T (p.Asp447Val)

Gene: MAGI2 (membrane associated guanylate kinase, WW and PDZ domain containing 2; minus strand). Cytogenetic location: 7q21.11.
Variant type: single nucleotide variant.
Coding change: c.1340A>T on transcript NM_012301.4 (MANE Select); coding-DNA position 1340, A replaced by T.
Protein change: p.Asp447Val; replaces aspartic acid 447 with valine.
Molecular consequence: missense variant.
Genome position (GRCh38, 1-based): chr7:78,343,846, T>A on the plus strand (A>T on the coding strand, the complement: MAGI2 is on the minus strand). VCF-style: chr7-78343846-T-A. GRCh37 (hg19) VCF-style: chr7-77973163-T-A.
Other names: c.1340A>T, p.Asp447Val (NM_001301128.2); short protein forms D447V.
Identifiers: ClinVar variation 161661 (VCV000161661.2), dbSNP rs193920987, ClinGen allele CA174550.